The following is an entry in ClinVar:

NM_138713.4(NFAT5):c.4079C>T (p.Thr1360Ile)

Gene: NFAT5 (nuclear factor of activated T cells 5; plus strand). Cytogenetic location: 16q22.1.
Variant type: single nucleotide variant.
Coding change: c.4079C>T on transcript NM_138713.4 (MANE Select); coding-DNA position 4079, C replaced by T.
Protein change: p.Thr1360Ile; replaces threonine 1360 with isoleucine.
Molecular consequence: missense variant.
Genome position (GRCh38, 1-based): chr16:69,693,904, C>T. VCF-style: chr16-69693904-C-T. GRCh37 (hg19) VCF-style: chr16-69727807-C-T.
Other names: c.3797C>T, p.Thr1266Ile (NM_173214.3, NM_173215.3, NM_138714.4); c.4076C>T, p.Thr1359Ile (NM_001113178.3); c.3404C>T, p.Thr1135Ile (NM_001367709.1); c.4025C>T, p.Thr1342Ile (NM_006599.4); short protein forms T1342I, T1135I, T1360I, T1266I, T1359I.
Identifiers: ClinVar variation 3707826 (VCV003707826.2).

ClinVar aggregate classification (germline): Uncertain significance (1 of 4 stars; one submission).

Conditions:
Immunodeficiency. Identifiers: MedGen C0021051, MONDO:0021094, HP:0002721.

Submission:

Labcorp Genetics (formerly Invitae), Labcorp
Classification: Uncertain significance for Immunodeficiency. Last evaluated: 2024-02-17. Review status: criteria provided, single submitter. Criteria: Invitae Variant Classification Sherloc (09022015). Collection method: clinical testing. Allele origin: germline.
Comment: This sequence change replaces threonine, which is neutral and polar, with isoleucine, which is neutral and non-polar, at codon 1266 of the NFAT5 protein (p.Thr1266Ile). This variant is present in population databases (rs767580542, gnomAD 0.0009%). This variant has not been reported in the literature in individuals affected with NFAT5-related conditions. An algorithm developed to predict the effect of missense changes on protein structure and function (PolyPhen-2) suggests that this variant is likely to be tolerated. In summary, the available evidence is currently insufficient to determine the role of this variant in disease. Therefore, it has been classified as a Variant of Uncertain Significance.